The following is an entry in ClinVar:

NM_020877.5(DNAH2):c.4146A>T (p.Ile1382=)

Gene: DNAH2 (dynein axonemal heavy chain 2; plus strand). Cytogenetic location: 17p13.1.
Variant type: single nucleotide variant.
Coding change: c.4146A>T on transcript NM_020877.5 (MANE Select); coding-DNA position 4146, A replaced by T.
Protein change: p.Ile1382=; no amino-acid change (isoleucine 1382 retained).
Molecular consequence: synonymous variant.
Genome position (GRCh38, 1-based): chr17:7,770,604, A>T. VCF-style: chr17-7770604-A-T. GRCh37 (hg19) VCF-style: chr17-7673922-A-T.
Other names: c.4146A>T (NM_020877.3).
Identifiers: ClinVar variation 402706 (VCV000402706.7), dbSNP rs9910089, ClinGen allele CA8357046.

ClinVar aggregate classification (germline): Benign. Review status: criteria provided, multiple submitters, no conflicts (2 of 4 stars). 3 submissions from 3 submitters: Benign (2). 1 of the submissions does not count toward it. Last evaluated 2016-03-29.

Conditions:
DNAH2-related disorder. Also called: DNAH2-related condition.

Allele frequency attached by ClinVar (database versions not stated): gnomAD exomes 0.02919 and 0.03407; ExAC 0.03666; TOPMed 0.05089; ESP Exome Variant Server 0.05282; 1000 Genomes Project 0.05292; 1000 Genomes Project 30x 0.05684.
gnomAD v4.1: 50,446 of 1,614,008 alleles (3.1%); highest among the groups gnomAD compares: African/African-American, 10%; 1,240 homozygotes.

Submissions (3):

Laboratory for Molecular Medicine, Mass General Brigham Personalized Medicine
Classification: Benign. Last evaluated: 2016-03-29. Review status: criteria provided, single submitter. Criteria: LMM Criteria. Collection method: clinical testing. Allele origin: germline.
Comment: Variant identified in a genome or exome case(s) and assessed due to predicted null impact of the variant or pathogenic assertions in the literature or databases. Disclaimer: This variant has not undergone full assessment. The following are preliminary notes: Frequency

Breakthrough Genomics
Classification: Benign. Review status: criteria provided, single submitter. Criteria: ACMG Guidelines, 2015. Collection method: not provided. Allele origin: germline. Inheritance: Autosomal recessive inheritance. Affected: yes.

PreventionGenetics, part of Exact Sciences
Classification: Benign for DNAH2-related condition. Last evaluated: 2020-01-24. Review status: no assertion criteria provided. Collection method: clinical testing. Allele origin: germline. Not counted in ClinVar's aggregate classification.
Comment: This variant is classified as benign based on ACMG/AMP sequence variant interpretation guidelines (Richards et al. 2015 PMID: 25741868, with internal and published modifications).